The following is an entry in ClinVar:

ClinVar aggregate classification (germline): Uncertain significance (1 of 4 stars; one submission).

Submission:

Institute for Human Genetics, University Hospital Essen
Classification: Uncertain significance. Last evaluated: 2005-03-05. Review status: criteria provided, single submitter. Criteria: ACMG Guidelines, 2015. Collection method: clinical testing. Allele origin: de novo. Affected: yes.
Comment: PM2_supp, PS2

NR_002757.3(RNU5B-1):n.37G>T

Genes: RNU5B-1 (RNA, U5B small nuclear 1; plus strand), LOC130057317 (ATAC-STARR-seq lymphoblastoid silent region 6555; plus strand). Cytogenetic location: 15q22.31.
Variant type: single nucleotide variant.
Molecular consequence: non-coding transcript variant (on NR_002757.3).
Genome position: GRCh38 VCF-style: chr15-65304713-G-T. GRCh37 (hg19) VCF-style: chr15-65597051-G-T.
Identifiers: ClinVar variation 3770185 (VCV003770185.1).